The following is an entry in ClinVar:

ClinVar aggregate classification (germline): Uncertain significance. Review status: criteria provided, multiple submitters, no conflicts (2 of 4 stars). 2 submissions from 2 submitters: Uncertain significance (2). Last evaluated 2022-11-01.

Conditions:
Perlman syndrome (PRLMNS). Identifiers: Orphanet 2849, MedGen C0796113, MONDO:0009965, OMIM 267000.

Allele frequency attached by ClinVar (database versions not stated): ExAC 0.00001; gnomAD 0.00001; gnomAD exomes 0.00001; TOPMed 0.00003.
gnomAD v4.1: 8 of 1,612,354 alleles (0.0005%); highest among the groups gnomAD compares: Admixed American, 0.01%; no homozygotes.

Submissions (2):

Labcorp Genetics (formerly Invitae), Labcorp
Classification: Uncertain significance for Perlman syndrome. Last evaluated: 2022-11-01. Review status: criteria provided, single submitter. Criteria: Invitae Variant Classification Sherloc (09022015). Collection method: clinical testing. Allele origin: germline.
Comment: This sequence change replaces asparagine, which is neutral and polar, with lysine, which is basic and polar, at codon 663 of the DIS3L2 protein (p.Asn663Lys). This variant is present in population databases (rs748211963, gnomAD 0.006%). This variant has not been reported in the literature in individuals affected with DIS3L2-related conditions. ClinVar contains an entry for this variant (Variation ID: 581924). Advanced modeling of protein sequence and biophysical properties (such as structural, functional, and spatial information, amino acid conservation, physicochemical variation, residue mobility, and thermodynamic stability) performed at Invitae indicates that this missense variant is not expected to disrupt DIS3L2 protein function. In summary, the available evidence is currently insufficient to determine the role of this variant in disease. Therefore, it has been classified as a Variant of Uncertain Significance.

Baylor Genetics
Classification: Uncertain significance for Perlman syndrome. Last evaluated: 2021-04-27. Review status: criteria provided, single submitter. Criteria: ACMG Guidelines, 2015. Collection method: clinical testing. Allele origin: unknown. Affected: yes. Study: CSER-TexasKidsCanSeq.
Comment: This variant was determined to be of uncertain significance according to ACMG Guidelines, 2015 [PMID:25741868].

NM_152383.5(DIS3L2):c.1989C>A (p.Asn663Lys)

Gene: DIS3L2 (DIS3 like 3'-5' exoribonuclease 2; plus strand). Cytogenetic location: 2q37.1.
Variant type: single nucleotide variant.
Coding change: c.1989C>A on transcript NM_152383.5 (MANE Select); coding-DNA position 1989, C replaced by A.
Protein change: p.Asn663Lys; replaces asparagine 663 with lysine.
Molecular consequence: missense variant. On other transcripts: non-coding transcript variant (2), intron variant (1).
Genome position (GRCh38, 1-based): chr2:232,330,755, C>A. VCF-style: chr2-232330755-C-A. GRCh37 (hg19) VCF-style: chr2-233195465-C-A.
Other names: c.1582-12590C>A (NM_001257281.2); short protein forms N663K.
Identifiers: ClinVar variation 581924 (VCV000581924.8), dbSNP rs748211963, ClinGen allele CA2164343.